The following is an entry in ClinVar:

NM_001017979.3(RAB28):c.461G>A (p.Ser154Asn)

Gene: RAB28 (RAB28, member RAS oncogene family; minus strand). Cytogenetic location: 4p15.33.
Variant type: single nucleotide variant.
Coding change: c.461G>A on transcript NM_001017979.3 (MANE Select); coding-DNA position 461, G replaced by A.
Protein change: p.Ser154Asn; replaces serine 154 with asparagine.
Molecular consequence: missense variant.
Genome position (GRCh38, 1-based): chr4:13,381,525, C>T on the plus strand (G>A on the coding strand, the complement: RAB28 is on the minus strand). VCF-style: chr4-13381525-C-T. GRCh37 (hg19) VCF-style: chr4-13383149-C-T.
Other names: c.461G>A, p.Ser154Asn (NM_001159601.2, NM_004249.4); short protein forms S154N.
Identifiers: ClinVar variation 2188952 (VCV002188952.1), dbSNP rs766647175, ClinGen allele CA2860074.

ClinVar aggregate classification (germline): Uncertain significance (1 of 4 stars; one submission).

Allele frequency attached by ClinVar (database versions not stated): TOPMed below 0.00001; gnomAD exomes 0.00001.
gnomAD v4.1: 10 of 1,612,690 alleles (0.00062%); highest among the groups gnomAD compares: Middle Eastern, 0.017%; no homozygotes.

Submission:

Labcorp Genetics (formerly Invitae), Labcorp
Classification: Uncertain significance. Last evaluated: 2022-06-28. Review status: criteria provided, single submitter. Criteria: Invitae Variant Classification Sherloc (09022015). Collection method: clinical testing. Allele origin: germline.
Comment: This sequence change replaces serine, which is neutral and polar, with asparagine, which is neutral and polar, at codon 154 of the RAB28 protein (p.Ser154Asn). This variant is present in population databases (rs766647175, gnomAD 0.003%). This variant has not been reported in the literature in individuals affected with RAB28-related conditions. Algorithms developed to predict the effect of missense changes on protein structure and function (SIFT, PolyPhen-2, Align-GVGD) all suggest that this variant is likely to be tolerated. In summary, the available evidence is currently insufficient to determine the role of this variant in disease. Therefore, it has been classified as a Variant of Uncertain Significance.